The following is an entry in ClinVar:

ClinVar aggregate classification (germline): Uncertain significance (1 of 4 stars; one submission).

Allele frequency attached by ClinVar (database versions not stated): gnomAD exomes below 0.00001; TOPMed below 0.00001.
gnomAD v4.1: 7 of 1,614,202 alleles (0.00043%); highest among the groups gnomAD compares: Non-Finnish European, 0.00051%; no homozygotes.

Submission:

Ambry Genetics
Classification: Uncertain significance. Last evaluated: 2023-10-26. Review status: criteria provided, single submitter. Criteria: Ambry Variant Classification Scheme 2023. Collection method: clinical testing. Allele origin: germline.
Comment: The p.S1187C variant (also known as c.3560C>G), located in coding exon 17 of the NPAT gene, results from a C to G substitution at nucleotide position 3560. The serine at codon 1187 is replaced by cysteine, an amino acid with dissimilar properties. This amino acid position is conserved. In addition, this alteration is predicted to be tolerated by in silico analysis. Since supporting evidence is limited at this time, the clinical significance of this alteration remains unclear.

NM_002519.3(NPAT):c.3560C>G (p.Ser1187Cys)

Gene: NPAT (nuclear protein, coactivator of histone transcription; minus strand). Cytogenetic location: 11q22.3.
Variant type: single nucleotide variant.
Coding change: c.3560C>G on transcript NM_002519.3 (MANE Select); coding-DNA position 3560, C replaced by G.
Protein change: p.Ser1187Cys; replaces serine 1187 with cysteine.
Molecular consequence: missense variant.
Genome position (GRCh38, 1-based): chr11:108,161,526, G>C on the plus strand (C>G on the coding strand, the complement: NPAT is on the minus strand). VCF-style: chr11-108161526-G-C. GRCh37 (hg19) VCF-style: chr11-108032253-G-C.
Other names: c.3581C>G, p.Ser1194Cys (NM_001321307.1); short protein forms S1187C, S1194C.
Identifiers: ClinVar variation 1732702 (VCV001732702.2), dbSNP rs2077849305, ClinGen allele CA382510534.
Genomic context (GRCh38, chr11:108,161,526, plus strand): 5'-ATTTCTTGCAGTGAAGCTATAGATTTCTCACTTCGCAAACCCCCATTTTGCTGCCCAATA[G>C]ATAGTTTTGAATTTTCTGGATTTTTCTGTCTTTCTACATCGCTGCATAATTCATTCTCCT-3'
Protein context (NP_002510.2, residues 1177-1197): RQKNPENSKL[Ser1187Cys]IGQQNGGLRS